The following is an entry in ClinVar:

ClinVar aggregate classification (germline): Benign/Likely benign. Review status: criteria provided, multiple submitters, no conflicts (2 of 4 stars). 6 submissions from 6 submitters: Benign (1); Likely benign (5). Last evaluated 2025-09-24.

Conditions:
Hereditary cancer-predisposing syndrome. Also called: Hereditary neoplastic syndrome; Neoplastic Syndromes, Hereditary; Tumor predisposition; Hereditary Cancer Syndrome. Identifiers: Orphanet 140162, MedGen C0027672, MeSH D009386, MONDO:0015356.
Breast-ovarian cancer, familial, susceptibility to, 4. Identifiers: Orphanet 145, MedGen C3280345, MONDO:0013669, OMIM 614291.

Allele frequency attached by ClinVar (database versions not stated): ExAC 0.00001; gnomAD exomes 0.00001; TOPMed 0.00001.
gnomAD v4.1: 11 of 1,614,132 alleles (0.00068%); highest among the groups gnomAD compares: Admixed American, 0.0033%; no homozygotes.

Submissions (6):

Labcorp Genetics (formerly Invitae), Labcorp
Classification: Likely benign for Breast-ovarian cancer, familial, susceptibility to, 4. Last evaluated: 2025-09-24. Review status: criteria provided, single submitter. Criteria: Invitae Variant Classification Sherloc (09022015). Collection method: clinical testing. Allele origin: germline.

Mayo Clinic Laboratories, Mayo Clinic
Classification: Likely benign. Last evaluated: 2025-09-24. Review status: criteria provided, single submitter. Criteria: ACMG Guidelines, 2015. Collection method: clinical testing. Allele origin: germline. Observed: 1 variant allele.
Comment: BP4, BP7

Myriad Genetics, Inc.
Classification: Benign for Breast-ovarian cancer, familial, susceptibility to, 4. Last evaluated: 2025-02-24. Review status: criteria provided, single submitter. Criteria: Myriad Autosomal Dominant, Autosomal Recessive and X-Linked Classification Criteria (2023). Collection method: clinical testing. Allele origin: unknown.
Comment: This variant is considered benign. This variant is a silent/synonymous amino acid change and it is not expected to impact splicing.

Color Diagnostics, LLC DBA Color Health
Classification: Likely benign for Hereditary cancer-predisposing syndrome. Last evaluated: 2019-03-19. Review status: criteria provided, single submitter. Criteria: ACMG Guidelines, 2015. Collection method: clinical testing. Allele origin: germline.

Quest Diagnostics Nichols Institute San Juan Capistrano
Classification: Likely benign. Last evaluated: 2017-05-18. Review status: criteria provided, single submitter. Criteria: Quest Diagnostics criteria. Collection method: clinical testing. Allele origin: germline.

Ambry Genetics
Classification: Likely benign for Hereditary cancer-predisposing syndrome. Last evaluated: 2014-06-18. Review status: criteria provided, single submitter. Criteria: Ambry Variant Classification Scheme 2023. Collection method: clinical testing. Allele origin: germline.

NM_002878.4(RAD51D):c.843C>T (p.Ile281=)

Genes: RAD51L3-RFFL (RAD51L3-RFFL readthrough; minus strand), RAD51D (RAD51 paralog D; minus strand). Cytogenetic location: 17q12.
Variant type: single nucleotide variant.
Coding change: c.843C>T on transcript NM_002878.4 (MANE Select); coding-DNA position 843, C replaced by T.
Protein change: p.Ile281=; no amino-acid change (isoleucine 281 retained).
Molecular consequence: synonymous variant. On other transcripts: non-coding transcript variant (3).
Genome position (GRCh38, 1-based): chr17:35,101,261, G>A on the plus strand (C>T on the coding strand, the complement: RAD51D is on the minus strand). VCF-style: chr17-35101261-G-A. GRCh37 (hg19) VCF-style: chr17-33428280-G-A.
Other names: p.Ile281=; c.903C>T, p.Ile301= (NM_001142571.2); c.507C>T, p.Ile169= (NM_133629.3).
Identifiers: ClinVar variation 185270 (VCV000185270.20), dbSNP rs754455433, ClinGen allele CA191491.